The following is an entry in ClinVar:

NM_005188.4(CBL):c.2056C>G (p.Leu686Val)

Gene: CBL (Cbl proto-oncogene; plus strand). Cytogenetic location: 11q23.3.
Variant type: single nucleotide variant.
Coding change: c.2056C>G on transcript NM_005188.4 (MANE Select); coding-DNA position 2056, C replaced by G.
Protein change: p.Leu686Val; replaces leucine 686 with valine.
Molecular consequence: missense variant.
Genome position (GRCh38, 1-based): chr11:119,296,937, C>G. VCF-style: chr11-119296937-C-G. GRCh37 (hg19) VCF-style: chr11-119167647-C-G.
Other names: short protein forms L686V.
Identifiers: ClinVar variation 1986296 (VCV001986296.7), dbSNP rs998810720, ClinGen allele CA229649689.

ClinVar aggregate classification (germline): Uncertain significance. Review status: criteria provided, multiple submitters, no conflicts (2 of 4 stars). 2 submissions from 2 submitters: Uncertain significance (2). Last evaluated 2022-05-23.

Conditions:
RASopathy. Also called: rasopathies; Noonan spectrum disorder. Identifiers: Orphanet 536391, MedGen C5555857, MONDO:0021060.

Allele frequency attached by ClinVar (database versions not stated): gnomAD exomes below 0.00001; TOPMed 0.00001.

Submissions (2):

Labcorp Genetics (formerly Invitae), Labcorp
Classification: Uncertain significance for RASopathy. Last evaluated: 2022-05-23. Review status: criteria provided, single submitter. Criteria: Invitae Variant Classification Sherloc (09022015). Collection method: clinical testing. Allele origin: germline.
Comment: In summary, the available evidence is currently insufficient to determine the role of this variant in disease. Therefore, it has been classified as a Variant of Uncertain Significance. Advanced modeling of protein sequence and biophysical properties (such as structural, functional, and spatial information, amino acid conservation, physicochemical variation, residue mobility, and thermodynamic stability) performed at Invitae indicates that this missense variant is not expected to disrupt CBL protein function. This variant has not been reported in the literature in individuals affected with CBL-related conditions. This variant is not present in population databases (gnomAD no frequency). This sequence change replaces leucine, which is neutral and non-polar, with valine, which is neutral and non-polar, at codon 686 of the CBL protein (p.Leu686Val).

Revvity Omics, Revvity
Classification: Uncertain significance. Last evaluated: 2021-05-04. Review status: criteria provided, single submitter. Criteria: ACMG Guidelines, 2015. Collection method: clinical testing. Allele origin: germline.